The following is an entry in ClinVar:

ClinVar aggregate classification (germline): Uncertain significance (1 of 4 stars; one submission).

gnomAD v4.1: 1 of 1,614,066 alleles (0.000062%); highest among the groups gnomAD compares: African/African-American, 0.0013%; no homozygotes.

Submission:

Labcorp Genetics (formerly Invitae), Labcorp
Classification: Uncertain significance. Last evaluated: 2024-05-28. Review status: criteria provided, single submitter. Criteria: Invitae Variant Classification Sherloc (09022015). Collection method: clinical testing. Allele origin: germline.
Comment: This sequence change replaces glycine, which is neutral and non-polar, with arginine, which is basic and polar, at codon 1816 of the KMT2E protein (p.Gly1816Arg). This variant is not present in population databases (gnomAD no frequency). This variant has not been reported in the literature in individuals affected with KMT2E-related conditions. An algorithm developed to predict the effect of missense changes on protein structure and function (PolyPhen-2) suggests that this variant is likely to be disruptive. In summary, the available evidence is currently insufficient to determine the role of this variant in disease. Therefore, it has been classified as a Variant of Uncertain Significance.

NM_182931.3(KMT2E):c.5446G>C (p.Gly1816Arg)

Gene: KMT2E (lysine methyltransferase 2E (inactive); plus strand). Cytogenetic location: 7q22.3.
Variant type: single nucleotide variant.
Coding change: c.5446G>C on transcript NM_182931.3 (MANE Select); coding-DNA position 5446, G replaced by C.
Protein change: p.Gly1816Arg; replaces glycine 1816 with arginine.
Molecular consequence: missense variant.
Genome position (GRCh38, 1-based): chr7:105,113,202, G>C. VCF-style: chr7-105113202-G-C. GRCh37 (hg19) VCF-style: chr7-104753649-G-C.
Other names: c.5320G>C, p.Gly1774Arg (NM_001410908.1); c.5446G>C, p.Gly1816Arg (NM_018682.4); short protein forms G1816R, G1774R.
Identifiers: ClinVar variation 3669094 (VCV003669094.2).